The following is an entry in ClinVar:

NM_001257096.2(PAX1):c.794C>T (p.Ala265Val)

Gene: PAX1 (paired box 1; plus strand). Cytogenetic location: 20p11.22.
Variant type: single nucleotide variant.
Coding change: c.794C>T on transcript NM_001257096.2 (MANE Select); coding-DNA position 794, C replaced by T.
Protein change: p.Ala265Val; replaces alanine 265 with valine.
Molecular consequence: missense variant.
Genome position (GRCh38, 1-based): chr20:21,706,945, C>T. VCF-style: chr20-21706945-C-T. GRCh37 (hg19) VCF-style: chr20-21687583-C-T.
Other names: c.794C>T, p.Ala265Val (NM_006192.5); short protein forms A265V.
Identifiers: ClinVar variation 2413548 (VCV002413548.6), dbSNP rs759159540, ClinGen allele CA9786560.

ClinVar aggregate classification (germline): Uncertain significance (1 of 4 stars; one submission).

Allele frequency attached by ClinVar (database versions not stated): TOPMed below 0.00001; gnomAD 0.00002; gnomAD exomes 0.00002; ExAC 0.00008.
gnomAD v4.1: 27 of 1,612,392 alleles (0.0017%); highest among the groups gnomAD compares: East Asian, 0.0045%; no homozygotes.

Submission:

Labcorp Genetics (formerly Invitae), Labcorp
Classification: Uncertain significance. Last evaluated: 2022-10-25. Review status: criteria provided, single submitter. Criteria: Invitae Variant Classification Sherloc (09022015). Collection method: clinical testing. Allele origin: germline.
Comment: This variant has not been reported in the literature in individuals affected with PAX1-related conditions. In summary, the available evidence is currently insufficient to determine the role of this variant in disease. Therefore, it has been classified as a Variant of Uncertain Significance. Advanced modeling of protein sequence and biophysical properties (such as structural, functional, and spatial information, amino acid conservation, physicochemical variation, residue mobility, and thermodynamic stability) performed at Invitae indicates that this missense variant is not expected to disrupt PAX1 protein function. This variant is present in population databases (rs759159540, gnomAD 0.01%). This sequence change replaces alanine, which is neutral and non-polar, with valine, which is neutral and non-polar, at codon 265 of the PAX1 protein (p.Ala265Val).